The following is an entry in ClinVar:

NM_032043.3(BRIP1):c.2518_2519del (p.Gly840fs)

Gene: BRIP1 (BRCA1 interacting DNA helicase 1; minus strand). Cytogenetic location: 17q23.2.
Variant type: Deletion.
Coding change: c.2518_2519del on transcript NM_032043.3 (MANE Select); coding-DNA positions 2518 to 2519, 2 bases deleted (GG; older notation c.2518_2519delGG).
Protein change: p.Gly840fs; shifts the reading frame from glycine 840.
Molecular consequence: frameshift variant.
Genome position (GRCh38, 1-based): chr17:61,693,486-61,693,487, CC deleted on the plus strand (GG on the coding strand, the reverse complement: BRIP1 is on the minus strand); deleting any 2 consecutive bases within chr17:61,693,486-61,693,489 gives the same sequence; the c. name uses the placement nearest the transcript's 3' end. VCF-style (leftmost placement, unchanged base first): chr17-61693485-TCC-T. GRCh37 (hg19) VCF-style: chr17-59770846-TCC-T.
Other names: c.2518_2519delGG (NM_032043.2); short protein forms G840fs.
Identifiers: ClinVar variation 481668 (VCV000481668.7), dbSNP rs1555574796, ClinGen allele CA658658656.

ClinVar aggregate classification (germline): Pathogenic. Review status: criteria provided, multiple submitters, no conflicts (2 of 4 stars). 2 submissions from 2 submitters: Pathogenic (2). Last evaluated 2026-03-31.

Conditions:
Hereditary cancer-predisposing syndrome. Also called: Tumor predisposition; Hereditary neoplastic syndrome; Neoplastic Syndromes, Hereditary; Hereditary Cancer Syndrome. Identifiers: Orphanet 140162, MedGen C0027672, MeSH D009386, MONDO:0015356.
Familial cancer of breast. Also called: hereditary breast carcinoma; Hereditary breast cancer; BREAST CANCER, FAMILIAL. Identifiers: Orphanet 227535, MedGen C0346153, MONDO:0016419, OMIM 114480. Disease mechanism: loss of function.

Submissions (2):

Ambry Genetics
Classification: Pathogenic for Hereditary cancer-predisposing syndrome. Last evaluated: 2026-03-31. Review status: criteria provided, single submitter. Criteria: Ambry Variant Classification Scheme 2023. Collection method: clinical testing. Allele origin: germline.
Comment: The c.2518_2519delGG pathogenic mutation, located in coding exon 17 of the BRIP1 gene, results from a deletion of two nucleotides at nucleotide positions 2518 to 2519, causing a translational frameshift with a predicted alternate stop codon (p.G840Sfs*7). This variant is considered to be rare based on population cohorts in the Genome Aggregation Database (gnomAD). This alteration is expected to result in loss of function by premature protein truncation or nonsense-mediated mRNA decay. As such, this alteration is interpreted as a disease-causing mutation.

Myriad Genetics, Inc.
Classification: Pathogenic for Familial cancer of breast. Last evaluated: 2025-04-22. Review status: criteria provided, single submitter. Criteria: Myriad Autosomal Dominant, Autosomal Recessive and X-Linked Classification Criteria (2023). Collection method: clinical testing. Allele origin: unknown.
Comment: This variant is considered pathogenic. This variant creates a frameshift predicted to result in premature protein truncation.